The following is an entry in ClinVar:

NM_025233.7(COASY):c.615C>A (p.Asn205Lys)

Gene: COASY (Coenzyme A synthase; plus strand). Cytogenetic location: 17q21.2.
Variant type: single nucleotide variant.
Coding change: c.615C>A on transcript NM_025233.7 (MANE Select); coding-DNA position 615, C replaced by A.
Protein change: p.Asn205Lys; replaces asparagine 205 with lysine.
Molecular consequence: missense variant.
Genome position (GRCh38, 1-based): chr17:42,563,237, C>A. VCF-style: chr17-42563237-C-A. GRCh37 (hg19) VCF-style: chr17-40715255-C-A.
Other names: c.615C>A, p.Asn205Lys (NM_001042529.3); c.702C>A, p.Asn234Lys (NM_001042532.4); c.702C>A (NM_001042532.2); short protein forms N205K, N234K.
Identifiers: ClinVar variation 2164436 (VCV002164436.6), dbSNP rs149475124, ClinGen allele CA8578013.

ClinVar aggregate classification (germline): Uncertain significance. Review status: criteria provided, multiple submitters, no conflicts (2 of 4 stars). 3 submissions from 3 submitters: Uncertain significance (3). Last evaluated 2025-11-25.

Conditions:
Neurodegeneration with brain iron accumulation 6 (NBIA6). Also called: COASY protein-associated neurodegeneration. Identifiers: Orphanet 397725, MedGen C4517377, MONDO:0014290, OMIM 615643.

Allele frequency attached by ClinVar (database versions not stated): ESP Exome Variant Server 0.00008.
gnomAD v4.1: 40 of 1,613,240 alleles (0.0025%); highest among the groups gnomAD compares: Non-Finnish European, 0.0031%; no homozygotes.

Submissions (3):

Ambry Genetics
Classification: Uncertain significance. Last evaluated: 2025-11-25. Review status: criteria provided, single submitter. Criteria: Ambry Variant Classification Scheme 2023. Collection method: clinical testing. Allele origin: germline.

Blueprint Genetics
Classification: Uncertain significance. Last evaluated: 2024-11-26. Review status: criteria provided, single submitter. Criteria: ACMG Guidelines, 2015. Collection method: clinical testing. Allele origin: germline.

Labcorp Genetics (formerly Invitae), Labcorp
Classification: Uncertain significance for Neurodegeneration with brain iron accumulation 6. Last evaluated: 2022-11-01. Review status: criteria provided, single submitter. Criteria: Invitae Variant Classification Sherloc (09022015). Collection method: clinical testing. Allele origin: germline.
Comment: In summary, the available evidence is currently insufficient to determine the role of this variant in disease. Therefore, it has been classified as a Variant of Uncertain Significance. Advanced modeling of protein sequence and biophysical properties (such as structural, functional, and spatial information, amino acid conservation, physicochemical variation, residue mobility, and thermodynamic stability) performed at Invitae indicates that this missense variant is not expected to disrupt COASY protein function. This variant has not been reported in the literature in individuals affected with COASY-related conditions. This variant is present in population databases (rs149475124, gnomAD 0.006%). This sequence change replaces asparagine, which is neutral and polar, with lysine, which is basic and polar, at codon 205 of the COASY protein (p.Asn205Lys).